The following is an entry in ClinVar:

NM_205836.3(FBXO38):c.104A>G (p.His35Arg)

Gene: FBXO38 (F-box protein 38; plus strand). Cytogenetic location: 5q32.
Variant type: single nucleotide variant.
Coding change: c.104A>G on transcript NM_205836.3 (MANE Select); coding-DNA position 104, A replaced by G.
Protein change: p.His35Arg; replaces histidine 35 with arginine.
Molecular consequence: missense variant.
Genome position (GRCh38, 1-based): chr5:148,394,880, A>G. VCF-style: chr5-148394880-A-G. GRCh37 (hg19) VCF-style: chr5-147774443-A-G.
Other names: c.104A>G, p.His35Arg (NM_001271723.2, NM_030793.5); short protein forms H35R.
Identifiers: ClinVar variation 4999849 (VCV004999849.1).

ClinVar aggregate classification (germline): Uncertain significance (1 of 4 stars; one submission).

Conditions:
FBXO38-related disorder. Also called: FBXO38-related condition.

Submission:

PreventionGenetics, part of Exact Sciences
Classification: Uncertain significance for FBXO38-related condition. Last evaluated: 2025-07-08. Review status: criteria provided, single submitter. Criteria: ACMG Guidelines, 2015. Collection method: clinical testing. Allele origin: germline.
Comment: The FBXO38 c.104A>G variant is predicted to result in the amino acid substitution p.His35Arg. To our knowledge, this variant has not been reported in the literature or in a large population database (gnomAD), indicating this variant is rare. At this time, the clinical significance of this variant is uncertain due to the absence of conclusive functional and genetic evidence.